The following is an entry in ClinVar:

NM_004341.5(CAD):c.1842G>T (p.Thr614=)

Gene: CAD (carbamoyl-phosphate synthetase 2, aspartate transcarbamylase, and dihydroorotase; plus strand). Cytogenetic location: 2p23.3.
Variant type: single nucleotide variant.
Coding change: c.1842G>T on transcript NM_004341.5 (MANE Select); coding-DNA position 1842, G replaced by T.
Protein change: p.Thr614=; no amino-acid change (threonine 614 retained).
Molecular consequence: synonymous variant.
Genome position (GRCh38, 1-based): chr2:27,225,926, G>T. VCF-style: chr2-27225926-G-T. GRCh37 (hg19) VCF-style: chr2-27448794-G-T.
Other names: c.1842G>T, p.Thr614= (NM_001306079.2).
Identifiers: ClinVar variation 1902095 (VCV001902095.3), dbSNP rs778481242, ClinGen allele CA1572834.

ClinVar aggregate classification (germline): Uncertain significance (1 of 4 stars; one submission).

Allele frequency attached by ClinVar (database versions not stated): ExAC 0.00003.
gnomAD v4.1: 33 of 1,612,978 alleles (0.002%); highest among the groups gnomAD compares: Middle Eastern, 0.082%; no homozygotes.

Submissions (2):

Labcorp Genetics (formerly Invitae), Labcorp
Classification: Uncertain significance. Last evaluated: 2022-05-16. Review status: criteria provided, single submitter. Criteria: Invitae Variant Classification Sherloc (09022015). Collection method: clinical testing. Allele origin: germline.
Comment: This sequence change affects codon 614 of the CAD mRNA. It is a 'silent' change, meaning that it does not change the encoded amino acid sequence of the CAD protein. This variant also falls at the last nucleotide of exon 12, which is part of the consensus splice site for this exon. This variant is present in population databases (rs778481242, gnomAD 0.05%). This variant has not been reported in the literature in individuals affected with CAD-related conditions. Variants that disrupt the consensus splice site are a relatively common cause of aberrant splicing (PMID: 17576681, 9536098). Algorithms developed to predict the effect of sequence changes on RNA splicing suggest that this variant may create or strengthen a splice site. In summary, the available evidence is currently insufficient to determine the role of this variant in disease. Therefore, it has been classified as a Variant of Uncertain Significance.

Dr. Peter K. Rogan Lab, Western University
No classification provided (evidence only). Condition: Hepatocellular carcinoma. Review status: no classification provided. Collection method: in vitro. Allele origin: not applicable. Functional consequence: retained intron. Not counted in ClinVar's aggregate classification.

Literature cited by the submitters: PubMed 17576681 (cited by Labcorp Genetics (formerly Invitae), Labcorp); PubMed 9536098 (cited by Labcorp Genetics (formerly Invitae), Labcorp).